The following is an entry in ClinVar:

ClinVar aggregate classification (germline): Pathogenic. Review status: reviewed by expert panel (3 of 4 stars). 2 submissions from 2 submitters: Pathogenic (1). 1 of the submissions does not count toward it. Last evaluated 2016-10-18.

Conditions:
Breast-ovarian cancer, familial, susceptibility to, 1 (BROVCA1). Also called: BRCA1 Hereditary Breast and Ovarian Cancer; OVARIAN CANCER, SUSCEPTIBILITY TO. Identifiers: Orphanet 145, MedGen C2676676, MONDO:0011450, OMIM 604370. Disease mechanism: loss of function.

Submissions (2):

Evidence-based Network for the Interpretation of Germline Mutant Alleles (ENIGMA)
Classification: Pathogenic for Breast-ovarian cancer, familial, susceptibility to, 1. Last evaluated: 2016-10-18. Review status: reviewed by expert panel. Criteria: ENIGMA BRCA1/2 Classification Criteria (2015). Collection method: curation. Allele origin: germline.
Comment: Variant allele predicted to encode a truncated non-functional protein.

Consortium of Investigators of Modifiers of BRCA1/2 (CIMBA), c/o University of Cambridge
Classification: Pathogenic for Breast-ovarian cancer, familial, susceptibility to, 1. Last evaluated: 2015-10-02. Review status: criteria provided, single submitter. Criteria: CIMBA Mutation Classification guidelines May 2016. Collection method: clinical testing. Allele origin: germline. Not counted in ClinVar's aggregate classification.

NM_007294.4(BRCA1):c.2875del (p.Arg959fs)

Gene: BRCA1 (BRCA1 DNA repair associated; minus strand). Cytogenetic location: 17q21.31.
Variant type: Deletion.
Coding change: c.2875del on transcript NM_007294.4 (MANE Select); coding-DNA position 2875, one base deleted (A; older notation c.2875delA).
Protein change: p.Arg959fs; shifts the reading frame from arginine 959.
Molecular consequence: frameshift variant. On other transcripts: intron variant (137).
Genome position (GRCh38, 1-based): chr17:43,092,656, T deleted on the plus strand (A on the coding strand, the reverse complement: BRCA1 is on the minus strand). VCF-style (leftmost placement, unchanged base first): chr17-43092655-CT-C. GRCh37 (hg19) VCF-style: chr17-41244672-CT-C.
Other names: 2994delA; c.2662del, p.Arg888fs (NM_001407571.1, NM_001407853.1, NM_001407894.1 and 9 more transcripts); c.2875del, p.Arg959fs (NM_001407581.1, NM_001407582.1, NM_001407583.1 and 30 more transcripts); c.2872del, p.Arg958fs (NM_001407587.1, NM_001407590.1, NM_001407591.1 and 22 more transcripts); c.2866del, p.Arg956fs (NM_001407646.1, NM_001407647.1); c.2752del, p.Arg918fs (NM_001407648.1, NM_001407664.1, NM_001407665.1 and 19 more transcripts); c.2749del, p.Arg917fs (NM_001407649.1, NM_001407670.1, NM_001407671.1 and 11 more transcripts); c.2797del, p.Arg933fs (NM_001407653.1, NM_001407654.1, NM_001407655.1 and 4 more transcripts); and 43 more; short protein forms R959fs, R912fs, R791fs, R832fs, R889fs, R933fs, R870fs, R891fs.
Identifiers: ClinVar variation 266313 (VCV000266313.7), dbSNP rs886040080, ClinGen allele CA10589803.